The following is an entry in ClinVar:

ClinVar aggregate classification (germline): Uncertain significance. Review status: criteria provided, multiple submitters, no conflicts (2 of 4 stars). 3 submissions from 3 submitters: Uncertain significance (3). Last evaluated 2025-03-31.

Conditions:
Inborn genetic diseases. Identifiers: MedGen C0950123, MeSH D030342.

Allele frequency attached by ClinVar (database versions not stated): ExAC 0.00002; gnomAD exomes 0.00002; gnomAD 0.00006; TOPMed 0.00006; ESP Exome Variant Server 0.00008.
gnomAD v4.1: 39 of 1,613,790 alleles (0.0024%); highest among the groups gnomAD compares: Non-Finnish European, 0.0031%; no homozygotes.

Submissions (3):

Ambry Genetics
Classification: Uncertain significance for Inborn genetic diseases. Last evaluated: 2025-03-31. Review status: criteria provided, single submitter. Criteria: Ambry Variant Classification Scheme 2023. Collection method: clinical testing. Allele origin: germline.

Labcorp Genetics (formerly Invitae), Labcorp
Classification: Uncertain significance. Last evaluated: 2025-01-19. Review status: criteria provided, single submitter. Criteria: Invitae Variant Classification Sherloc (09022015). Collection method: clinical testing. Allele origin: germline.
Comment: This sequence change replaces alanine, which is neutral and non-polar, with threonine, which is neutral and polar, at codon 562 of the SAMD9 protein (p.Ala562Thr). This variant is present in population databases (rs139784645, gnomAD 0.005%). This variant has not been reported in the literature in individuals affected with SAMD9-related conditions. ClinVar contains an entry for this variant (Variation ID: 2180179). Invitae Evidence Modeling of protein sequence and biophysical properties (such as structural, functional, and spatial information, amino acid conservation, physicochemical variation, residue mobility, and thermodynamic stability) indicates that this missense variant is not expected to disrupt SAMD9 protein function with a negative predictive value of 95%. In summary, the available evidence is currently insufficient to determine the role of this variant in disease. Therefore, it has been classified as a Variant of Uncertain Significance.

GeneDx
Classification: Uncertain significance. Last evaluated: 2024-01-26. Review status: criteria provided, single submitter. Criteria: GeneDx Variant Classification Process June 2021. Collection method: clinical testing. Allele origin: germline. Affected: yes.
Comment: In silico analysis supports that this missense variant does not alter protein structure/function; Has not been previously published as pathogenic or benign to our knowledge; This variant is associated with the following publications: (PMID: 28545555)

NM_017654.4(SAMD9):c.1684G>A (p.Ala562Thr)

Gene: SAMD9 (sterile alpha motif domain containing 9; minus strand). Cytogenetic location: 7q21.2.
Variant type: single nucleotide variant.
Coding change: c.1684G>A on transcript NM_017654.4 (MANE Select); coding-DNA position 1684, G replaced by A.
Protein change: p.Ala562Thr; replaces alanine 562 with threonine.
Molecular consequence: missense variant.
Genome position (GRCh38, 1-based): chr7:93,104,414, C>T on the plus strand (G>A on the coding strand, the complement: SAMD9 is on the minus strand). VCF-style: chr7-93104414-C-T. GRCh37 (hg19) VCF-style: chr7-92733727-C-T.
Other names: c.1684G>A, p.Ala562Thr (NM_001193307.2); c.1684G>A (NM_017654.3); short protein forms A562T.
Identifiers: ClinVar variation 2180179 (VCV002180179.6), dbSNP rs139784645, ClinGen allele CA4342944.